The following is an entry in ClinVar:

NM_006929.5(SKIC2):c.967G>A (p.Glu323Lys)

Genes: SKIC2 (SKI2 subunit of superkiller complex; plus strand), LOC126859653 (CDK7 strongly-dependent group 2 enhancer GRCh37_chr6:31929542-31930741; plus strand). Cytogenetic location: 6p21.33.
Variant type: single nucleotide variant.
Coding change: c.967G>A on transcript NM_006929.5 (MANE Select); coding-DNA position 967, G replaced by A.
Protein change: p.Glu323Lys; replaces glutamic acid 323 with lysine.
Molecular consequence: missense variant.
Genome position (GRCh38, 1-based): chr6:31,961,957, G>A. VCF-style: chr6-31961957-G-A. GRCh37 (hg19) VCF-style: chr6-31929734-G-A.
Other names: short protein forms E323K.
Identifiers: ClinVar variation 2106636 (VCV002106636.4), dbSNP rs766755028, ClinGen allele CA363448206.

ClinVar aggregate classification (germline): Uncertain significance (1 of 4 stars; one submission).

Submission:

Labcorp Genetics (formerly Invitae), Labcorp
Classification: Uncertain significance. Last evaluated: 2022-03-04. Review status: criteria provided, single submitter. Criteria: Invitae Variant Classification Sherloc (09022015). Collection method: clinical testing. Allele origin: germline.
Comment: In summary, the available evidence is currently insufficient to determine the role of this variant in disease. Therefore, it has been classified as a Variant of Uncertain Significance. This sequence change replaces glutamic acid, which is acidic and polar, with lysine, which is basic and polar, at codon 323 of the SKIV2L protein (p.Glu323Lys). This variant is not present in population databases (gnomAD no frequency). This variant has not been reported in the literature in individuals affected with SKIV2L-related conditions. Algorithms developed to predict the effect of missense changes on protein structure and function are either unavailable or do not agree on the potential impact of this missense change (SIFT: "Deleterious"; PolyPhen-2: "Probably Damaging"; Align-GVGD: "Class C0"). Algorithms developed to predict the effect of sequence changes on RNA splicing suggest that this variant may create or strengthen a splice site.